The following is an entry in ClinVar:

ClinVar aggregate classification (germline): Uncertain significance (1 of 4 stars; one submission).

Conditions:
Retinitis pigmentosa 59 (RP59). Identifiers: Orphanet 791, MedGen C3151227, MONDO:0013468, OMIM 613861.

Allele frequency attached by ClinVar (database versions not stated): gnomAD exomes below 0.00001.

Submission:

Labcorp Genetics (formerly Invitae), Labcorp
Classification: Uncertain significance for Retinitis pigmentosa 59. Last evaluated: 2022-08-20. Review status: criteria provided, single submitter. Criteria: Invitae Variant Classification Sherloc (09022015). Collection method: clinical testing. Allele origin: germline.
Comment: This sequence change falls in intron 2 of the DHDDS gene. It does not directly change the encoded amino acid sequence of the DHDDS protein. It affects a nucleotide within the consensus splice site. This variant is not present in population databases (gnomAD no frequency). This variant has not been reported in the literature in individuals affected with DHDDS-related conditions. Variants that disrupt the consensus splice site are a relatively common cause of aberrant splicing (PMID: 17576681, 9536098). Algorithms developed to predict the effect of sequence changes on RNA splicing suggest that this variant is not likely to affect RNA splicing. In summary, the available evidence is currently insufficient to determine the role of this variant in disease. Therefore, it has been classified as a Variant of Uncertain Significance.

Literature cited by the submitters: PubMed 17576681; PubMed 9536098.

NM_205861.3(DHDDS):c.64-3C>T

Gene: DHDDS (dehydrodolichyl diphosphate synthase subunit; plus strand). Cytogenetic location: 1p36.11.
Variant type: single nucleotide variant.
Coding change: c.64-3C>T on transcript NM_205861.3 (MANE Select); 3 bases into the intron before coding-DNA position 64, C replaced by T.
Molecular consequence: intron variant.
Genome position (GRCh38, 1-based): chr1:26,438,165, C>T. VCF-style: chr1-26438165-C-T. GRCh37 (hg19) VCF-style: chr1-26764656-C-T.
Other names: c.-239-3C>T (NM_001319959.2); c.64-3C>T (NM_024887.4, NM_001243564.2, NM_001243565.2).
Identifiers: ClinVar variation 2134490 (VCV002134490.1), dbSNP rs2075180547, ClinGen allele CA1160069376.